The following is an entry in ClinVar:

ClinVar aggregate classification (germline): Uncertain significance (1 of 4 stars; one submission).

Allele frequency attached by ClinVar (database versions not stated): gnomAD exomes below 0.00001; ExAC 0.00001.
gnomAD v4.1: 5 of 1,613,894 alleles (0.00031%); highest among the groups gnomAD compares: Non-Finnish European, 0.00042%; no homozygotes.

Submission:

Labcorp Genetics (formerly Invitae), Labcorp
Classification: Uncertain significance. Last evaluated: 2023-02-21. Review status: criteria provided, single submitter. Criteria: Invitae Variant Classification Sherloc (09022015). Collection method: clinical testing. Allele origin: germline.
Comment: This variant has not been reported in the literature in individuals affected with TNS2-related conditions. This sequence change falls in intron 8 of the TNS2 gene. It does not directly change the encoded amino acid sequence of the TNS2 protein. It affects a nucleotide within the consensus splice site. This variant is present in population databases (rs754040003, gnomAD 0.0009%). Variants that disrupt the consensus splice site are a relatively common cause of aberrant splicing (PMID: 17576681, 9536098). Algorithms developed to predict the effect of sequence changes on RNA splicing suggest that this variant is not likely to affect RNA splicing. In summary, the available evidence is currently insufficient to determine the role of this variant in disease. Therefore, it has been classified as a Variant of Uncertain Significance.

Literature cited by the submitters: PubMed 17576681; PubMed 9536098.

NM_170754.4(TNS2):c.573+6A>T

Gene: TNS2 (tensin 2; plus strand). Cytogenetic location: 12q13.13.
Variant type: single nucleotide variant.
Coding change: c.573+6A>T on transcript NM_170754.4 (MANE Select); 6 bases into the intron after coding-DNA position 573, A replaced by T.
Molecular consequence: intron variant.
Genome position (GRCh38, 1-based): chr12:53,055,242, A>T. VCF-style: chr12-53055242-A-T. GRCh37 (hg19) VCF-style: chr12-53449026-A-T.
Other names: c.201+6A>T (NM_198316.2); c.573+6A>T (NM_001416202.1, NM_001416204.1); c.504+6A>T (NM_001416203.1, NM_015319.3).
Identifiers: ClinVar variation 2791982 (VCV002791982.3), dbSNP rs754040003, ClinGen allele CA6591976.
Genomic context (GRCh38, chr12:53,055,242, plus strand): 5'-TCAGCTCTTCAACCTTTCAGAGAAAAGGCATGACCTGACCCGCTTAAACCCCAAGGTATG[A>T]AGGAAATGGCCTGCCCAACCATTAAACCAAGCCACCCCAACCCCAGAAGCCCCCAGCTTC-3'